The following is an entry in ClinVar:

NM_004706.4(ARHGEF1):c.160C>T (p.Arg54Trp)

Gene: ARHGEF1 (Rho guanine nucleotide exchange factor 1; plus strand). Cytogenetic location: 19q13.2.
Variant type: single nucleotide variant.
Coding change: c.160C>T on transcript NM_004706.4 (MANE Select); coding-DNA position 160, C replaced by T.
Protein change: p.Arg54Trp; replaces arginine 54 with tryptophan.
Molecular consequence: missense variant.
Genome position (GRCh38, 1-based): chr19:41,888,800, C>T. VCF-style: chr19-41888800-C-T. GRCh37 (hg19) VCF-style: chr19-42392871-C-T.
Other names: c.160C>T, p.Arg54Trp (NM_198977.2); c.205C>T, p.Arg69Trp (NM_199002.2); short protein forms R54W, R69W.
Identifiers: ClinVar variation 1467685 (VCV001467685.6), dbSNP rs782110668, ClinGen allele CA9465805.

ClinVar aggregate classification (germline): Uncertain significance (1 of 4 stars; one submission).

Allele frequency attached by ClinVar (database versions not stated): TOPMed below 0.00001; ExAC 0.00001; gnomAD 0.00001; gnomAD exomes 0.00001.
gnomAD v4.1: 6 of 1,614,166 alleles (0.00037%); highest among the groups gnomAD compares: South Asian, 0.0044%; no homozygotes.

Submission:

Labcorp Genetics (formerly Invitae), Labcorp
Classification: Uncertain significance. Last evaluated: 2025-05-30. Review status: criteria provided, single submitter. Criteria: Invitae Variant Classification Sherloc (09022015). Collection method: clinical testing. Allele origin: germline.
Comment: This sequence change replaces arginine, which is basic and polar, with tryptophan, which is neutral and slightly polar, at codon 69 of the ARHGEF1 protein (p.Arg69Trp). This variant is present in population databases (rs782110668, gnomAD 0.006%). This variant has not been reported in the literature in individuals affected with ARHGEF1-related conditions. ClinVar contains an entry for this variant (Variation ID: 1467685). An algorithm developed to predict the effect of missense changes on protein structure and function (PolyPhen-2) suggests that this variant is likely to be disruptive. In summary, the available evidence is currently insufficient to determine the role of this variant in disease. Therefore, it has been classified as a Variant of Uncertain Significance.